The following is an entry in ClinVar:

ClinVar aggregate classification (germline): Benign. Review status: criteria provided, multiple submitters, no conflicts (2 of 4 stars). 2 submissions from 2 submitters: Benign (2). Last evaluated 2026-08-01.

Allele frequency attached by ClinVar (database versions not stated): 1000 Genomes Project 0.00439; 1000 Genomes Project 30x 0.00468; TOPMed 0.00753; ESP Exome Variant Server 0.00846; gnomAD 0.00864; gnomAD exomes 0.01131.
gnomAD v4.1: 17,674 of 1,613,928 alleles (1.1%); highest among the groups gnomAD compares: Non-Finnish European, 1.3%; 121 homozygotes.

Submissions (2):

CeGaT Center for Human Genetics Tuebingen
Classification: Benign. Last evaluated: 2026-08-01. Review status: criteria provided, single submitter. Criteria: CeGaT Center For Human Genetics Tuebingen Variant Classification Criteria Version 2. Collection method: clinical testing. Allele origin: germline. Affected: yes. Observed: 4 variant alleles.
Comment: THBS2: BS1, BS2

Labcorp Genetics (formerly Invitae), Labcorp
Classification: Benign. Last evaluated: 2019-12-31. Review status: criteria provided, single submitter. Criteria: Invitae Variant Classification Sherloc (09022015). Collection method: clinical testing. Allele origin: germline.

NM_003247.5(THBS2):c.3296C>T (p.Pro1099Leu)

Genes: THBS2 (thrombospondin 2; minus strand), THBS2-AS1 (THBS2 antisense RNA 1; plus strand). Cytogenetic location: 6q27.
Variant type: single nucleotide variant.
Coding change: c.3296C>T on transcript NM_003247.5 (MANE Select); coding-DNA position 3296, C replaced by T.
Protein change: p.Pro1099Leu; replaces proline 1099 with leucine.
Molecular consequence: missense variant. On other transcripts: non-coding transcript variant (2).
Genome position (GRCh38, 1-based): chr6:169,221,505, G>A on the plus strand (C>T on the coding strand, the complement: THBS2 is on the minus strand). VCF-style: chr6-169221505-G-A. GRCh37 (hg19) VCF-style: chr6-169621600-G-A.
Other names: c.3122C>T, p.Pro1041Leu (NM_001381939.1); c.3065C>T, p.Pro1022Leu (NM_001381942.1); short protein forms P1099L, P1022L, P1041L.
Identifiers: ClinVar variation 771721 (VCV000771721.10), dbSNP rs140852957, ClinGen allele CA4102708.